The following is an entry in ClinVar:

ClinVar aggregate classification (germline): Uncertain significance (1 of 4 stars; one submission).

Conditions:
Inborn genetic diseases. Identifiers: MedGen C0950123, MeSH D030342.

Submission:

Ambry Genetics
Classification: Uncertain significance for Inborn genetic diseases. Last evaluated: 2024-10-04. Review status: criteria provided, single submitter. Criteria: Ambry Variant Classification Scheme 2023. Collection method: clinical testing. Allele origin: germline.
Comment: The p.M335L variant (also known as c.1003A>T), located in coding exon 4 of the ATR gene, results from an A to T substitution at nucleotide position 1003. The methionine at codon 335 is replaced by leucine, an amino acid with highly similar properties. This amino acid position is conserved. In addition, this alteration is predicted to be tolerated by in silico analysis. Based on the available evidence, the clinical significance of this variant remains unclear.

NM_001184.4(ATR):c.1003A>T (p.Met335Leu)

Gene: ATR (ATR serine/threonine kinase; minus strand). Cytogenetic location: 3q23.
Variant type: single nucleotide variant.
Coding change: c.1003A>T on transcript NM_001184.4 (MANE Select); coding-DNA position 1003, A replaced by T.
Protein change: p.Met335Leu; replaces methionine 335 with leucine.
Molecular consequence: missense variant.
Genome position (GRCh38, 1-based): chr3:142,562,399, T>A on the plus strand (A>T on the coding strand, the complement: ATR is on the minus strand). VCF-style: chr3-142562399-T-A. GRCh37 (hg19) VCF-style: chr3-142281241-T-A.
Other names: c.1003A>T, p.Met335Leu (NM_001354579.2); short protein forms M335L.
Identifiers: ClinVar variation 3462929 (VCV003462929.1).
Genomic context (GRCh38, chr3:142,562,399, plus strand): 5'-TAAGGAAATACTGCAGTAAATGGCACAAAGCTGCTTTTAGCAAATCAGACTTAAGCCGCA[T>A]GAGCACACCGTCTTCAAACATGACACAGAGTTTTTCCAGCAGCATATTTAAATAGACAGG-3'
Protein context (NP_001175.2, residues 325-345): LCVMFEDGVL[Met335Leu]RLKSDLLKAA